The following is an entry in ClinVar:

NM_002439.5(MSH3):c.1100A>C (p.Tyr367Ser)

Gene: MSH3 (mutS homolog 3; plus strand). Cytogenetic location: 5q14.1.
Variant type: single nucleotide variant.
Coding change: c.1100A>C on transcript NM_002439.5 (MANE Select); coding-DNA position 1100, A replaced by C.
Protein change: p.Tyr367Ser; replaces tyrosine 367 with serine.
Molecular consequence: missense variant.
Genome position (GRCh38, 1-based): chr5:80,675,055, A>C. VCF-style: chr5-80675055-A-C. GRCh37 (hg19) VCF-style: chr5-79970874-A-C.
Other names: short protein forms Y367S.
Identifiers: ClinVar variation 1716140 (VCV001716140.5), dbSNP rs1749808717, ClinGen allele CA360268090.

ClinVar aggregate classification (germline): Uncertain significance (1 of 4 stars; one submission).

Submission:

Labcorp Genetics (formerly Invitae), Labcorp
Classification: Uncertain significance. Last evaluated: 2022-08-11. Review status: criteria provided, single submitter. Criteria: Invitae Variant Classification Sherloc (09022015). Collection method: clinical testing. Allele origin: germline.
Comment: In summary, the available evidence is currently insufficient to determine the role of this variant in disease. Therefore, it has been classified as a Variant of Uncertain Significance. Algorithms developed to predict the effect of missense changes on protein structure and function (SIFT, PolyPhen-2, Align-GVGD) all suggest that this variant is likely to be disruptive. This variant has not been reported in the literature in individuals affected with MSH3-related conditions. This variant is not present in population databases (gnomAD no frequency). This sequence change replaces tyrosine, which is neutral and polar, with serine, which is neutral and polar, at codon 367 of the MSH3 protein (p.Tyr367Ser).